The following is an entry in ClinVar:

NM_003836.7(DLK1):c.310G>A (p.Val104Met)

Gene: DLK1 (delta like non-canonical Notch ligand 1; plus strand). Cytogenetic location: 14q32.2.
Variant type: single nucleotide variant.
Coding change: c.310G>A on transcript NM_003836.7 (MANE Select); coding-DNA position 310, G replaced by A.
Protein change: p.Val104Met; replaces valine 104 with methionine.
Molecular consequence: missense variant.
Genome position (GRCh38, 1-based): chr14:100,732,089, G>A. VCF-style: chr14-100732089-G-A. GRCh37 (hg19) VCF-style: chr14-101198426-G-A.
Other names: c.310G>A, p.Val104Met (NM_001317172.2); short protein forms V104M.
Identifiers: ClinVar variation 782883 (VCV000782883.7), dbSNP rs2273607, ClinGen allele CA7346586.

ClinVar aggregate classification (germline): Benign. Review status: criteria provided, multiple submitters, no conflicts (2 of 4 stars). 3 submissions from 3 submitters: Benign (2). 1 of the submissions does not count toward it. Last evaluated 2019-12-31.

Conditions:
DLK1-related disorder. Also called: DLK1-related condition.

Allele frequency attached by ClinVar (database versions not stated): TOPMed 0.00662; 1000 Genomes Project 0.01238; gnomAD 0.00496 and 0.00428; 1000 Genomes Project 30x 0.01109; ESP Exome Variant Server 0.00046.
gnomAD v4.1: 5,951 of 1,613,922 alleles (0.37%); highest among the groups gnomAD compares: East Asian, 7.2%; 155 homozygotes.

Submissions (3):

Labcorp Genetics (formerly Invitae), Labcorp
Classification: Benign. Last evaluated: 2019-12-31. Review status: criteria provided, single submitter. Criteria: Invitae Variant Classification Sherloc (09022015). Collection method: clinical testing. Allele origin: germline.

Breakthrough Genomics
Classification: Benign. Review status: criteria provided, single submitter. Criteria: ACMG Guidelines, 2015. Collection method: not provided. Allele origin: germline. Inheritance: Unknown mechanism. Affected: yes.

PreventionGenetics, part of Exact Sciences
Classification: Benign for DLK1-related condition. Last evaluated: 2019-04-01. Review status: no assertion criteria provided. Collection method: clinical testing. Allele origin: germline. Not counted in ClinVar's aggregate classification.
Comment: This variant is classified as benign based on ACMG/AMP sequence variant interpretation guidelines (Richards et al. 2015 PMID: 25741868, with internal and published modifications).